The following is an entry in ClinVar:

ClinVar aggregate classification (germline): Uncertain significance (1 of 4 stars; one submission).

Allele frequency attached by ClinVar (database versions not stated): gnomAD 0.00002 and 0.00003; TOPMed 0.00002; ExAC 0.00007; 1000 Genomes Project 30x 0.00031; 1000 Genomes Project 0.00040.

Submission:

Labcorp Genetics (formerly Invitae), Labcorp
Classification: Uncertain significance. Last evaluated: 2021-08-20. Review status: criteria provided, single submitter. Criteria: Invitae Variant Classification Sherloc (09022015). Collection method: clinical testing. Allele origin: germline.
Comment: This sequence change replaces arginine with cysteine at codon 2467 of the SZT2 protein (p.Arg2467Cys). The arginine residue is moderately conserved and there is a large physicochemical difference between arginine and cysteine. This variant is present in population databases (rs373037090, ExAC 0.02%). This variant has not been reported in the literature in individuals affected with SZT2-related conditions. Algorithms developed to predict the effect of missense changes on protein structure and function output the following: SIFT: "Tolerated"; PolyPhen-2: "Benign"; Align-GVGD: "Class C0". The cysteine amino acid residue is found in multiple mammalian species, which suggests that this missense change does not adversely affect protein function. In summary, the available evidence is currently insufficient to determine the role of this variant in disease. Therefore, it has been classified as a Variant of Uncertain Significance.

NM_001365999.1(SZT2):c.7570C>T (p.Arg2524Cys)

Gene: SZT2 (SZT2 subunit of KICSTOR complex; plus strand). Cytogenetic location: 1p34.2.
Variant type: single nucleotide variant.
Coding change: c.7570C>T on transcript NM_001365999.1 (MANE Select); coding-DNA position 7570, C replaced by T.
Protein change: p.Arg2524Cys; replaces arginine 2524 with cysteine.
Molecular consequence: missense variant.
Genome position (GRCh38, 1-based): chr1:43,441,562, C>T. VCF-style: chr1-43441562-C-T. GRCh37 (hg19) VCF-style: chr1-43907233-C-T.
Other names: c.7399C>T, p.Arg2467Cys (NM_015284.4); short protein forms R2467C, R2524C.
Identifiers: ClinVar variation 998818 (VCV000998818.6), dbSNP rs373037090, ClinGen allele CA810269.